The following is an entry in ClinVar:

NC_000004.11:g.(?_79460428)_(79462278_?)del

Gene: FRAS1 (Fraser extracellular matrix complex subunit 1; plus strand). Cytogenetic location: 4q21.21.
Variant type: Deletion.
Identifiers: ClinVar variation 3246764 (VCV003246764.1).

ClinVar aggregate classification (germline): Likely pathogenic (1 of 4 stars; one submission).

Submission:

Labcorp Genetics (formerly Invitae), Labcorp
Classification: Likely pathogenic. Last evaluated: 2023-03-14. Review status: criteria provided, single submitter. Criteria: Invitae Variant Classification Sherloc (09022015). Collection method: clinical testing. Allele origin: unknown.
Comment: In summary, the currently available evidence indicates that the variant is pathogenic, but additional data are needed to prove that conclusively. Therefore, this variant has been classified as Likely Pathogenic. This variant disrupts the C-terminus of the FRAS1 protein. Other variant(s) that disrupt this region (p.Arg3849Aspfs*8) have been observed in individuals with FRAS1-related conditions (PMID: 18671281, 32488952). This suggests that this may be a clinically significant region of the protein. This variant has not been reported in the literature in individuals affected with FRAS1-related conditions. This variant is a gross deletion of the genomic region encompassing exon(s) 73-74 of the FRAS1 gene, which includes the termination codon. This deletion extends beyond the assayed region for this gene and therefore may encompass additional genes. While this deletion is not anticipated to lead to nonsense mediated decay, it is expected to alter mRNA translation or result in a truncated protein product.

Literature cited by the submitters: PubMed 18671281; PubMed 32488952.